The following is an entry in ClinVar:

NM_152564.5(VPS13B):c.5386dup (p.Arg1796fs)

Gene: VPS13B (vacuolar protein sorting 13 homolog B; plus strand). Cytogenetic location: 8q22.2.
Variant type: Duplication.
Coding change: c.5386dup on transcript NM_152564.5 (MANE Select); coding-DNA position 5386, one base duplicated (C; older notation c.5386dupC).
Protein change: p.Arg1796fs; shifts the reading frame from arginine 1796.
Molecular consequence: frameshift variant.
Genome position (GRCh38, 1-based): chr8:99,641,976, C duplicated; the last of 3 consecutive C bases (chr8:99,641,974-99,641,976); duplicating any one gives the same sequence. VCF-style (leftmost placement, unchanged base first): chr8-99641973-G-GC. GRCh37 (hg19) VCF-style: chr8-100654201-G-GC.
Other names: c.5461dup, p.Arg1821fs (NM_017890.5); c.5461dupC (NM_017890.4); short protein forms R1796fs, R1821fs.
Identifiers: ClinVar variation 56674 (VCV000056674.2), dbSNP rs180177364, ClinGen allele CA264100.
Genomic context (GRCh38, chr8:99,641,973, plus strand): 5'-AGTGTTAAAATCAGAATAGTGCAAATAGAGCAGCACAGTGGTGCCAGTCAGCATCGCATT[G>GC]CCCGTCCCTCACGCCAGTCATCAATTGTAAAAAATCTAAATTTTATTCCCTTTGACATAT-3'

ClinVar aggregate classification (germline): Pathogenic/Likely pathogenic. Review status: no assertion criteria provided (0 of 4 stars). 2 submissions from 2 submitters: Pathogenic (1); Likely pathogenic (1).

Conditions:
Cohen syndrome (COH1). Also called: PEPPER SYNDROME; Cutis verticis gyrata, retinitis pigmentosa, and sensorineural deafness. Identifiers: Orphanet 193, MedGen C0265223, MONDO:0008999, OMIM 216550.

Submissions (2):

Juha Muilu Group; Institute for Molecular Medicine Finland (FIMM)
Classification: Likely pathogenic for Cohen syndrome. Review status: no assertion criteria provided. Collection method: not provided. Allele origin: unknown.
Comment: FinDis database variant: This variant was not found or characterized by our laboratory, data were collected from public sources: see reference
ClinVar note: Converted during submission from probable-pathogenic to Likely pathogenic.

SNPedia
Classification: Pathogenic. Review status: no assertion criteria provided. Collection method: not provided. Allele origin: germline.
ClinVar note: Converted during submission from pathogenic to Pathogenic.